The following is an entry in ClinVar:

ClinVar aggregate classification (germline): Likely benign. Review status: criteria provided, multiple submitters, no conflicts (2 of 4 stars). 3 submissions from 3 submitters: Likely benign (2). 1 of the submissions does not count toward it. Last evaluated 2023-10-03.

Conditions:
CREBBP-related disorder. Also called: CREBBP-related disorders; CREBBP-related condition.
Rubinstein-Taybi syndrome due to CREBBP mutations (RSTS1). Also called: BROAD THUMB-HALLUX SYNDROME; BROAD THUMBS AND GREAT TOES, CHARACTERISTIC FACIES, AND IMPAIRED INTELLECTUAL DEVELOPMENT; RUBINSTEIN-TAYBI SYNDROME 1, INCOMPLETE; CREBBP-Related Rubinstein-Taybi Syndrome; Rubinstein-Taybi syndrome 1; RUBINSTEIN SYNDROME. Identifiers: Orphanet 353277, Orphanet 783, MedGen C4551859, MONDO:0008393, OMIM 180849.
Menke-Hennekam syndrome 1 (MKHK1). Identifiers: MedGen C5193034, MONDO:0020763, OMIM 618332.
Rubinstein-Taybi syndrome (RSTS). Identifiers: Orphanet 783, MedGen C0035934, MONDO:0019188.

gnomAD v4.1: 3 of 1,613,480 alleles (0.00019%); highest among the groups gnomAD compares: African/African-American, 0.004%; no homozygotes.

Submissions (3):

Labcorp Genetics (formerly Invitae), Labcorp
Classification: Likely benign for Rubinstein-Taybi syndrome. Last evaluated: 2023-10-03. Review status: criteria provided, single submitter. Criteria: Invitae Variant Classification Sherloc (09022015). Collection method: clinical testing. Allele origin: germline.

Fulgent Genetics
Classification: Likely benign for Rubinstein-Taybi syndrome due to CREBBP mutations; Menke-Hennekam syndrome 1. Last evaluated: 2022-04-21. Review status: criteria provided, single submitter. Criteria: ACMG Guidelines, 2015. Collection method: clinical testing. Allele origin: unknown.

PreventionGenetics, part of Exact Sciences
Classification: Likely benign for CREBBP-related condition. Last evaluated: 2024-02-06. Review status: no assertion criteria provided. Collection method: clinical testing. Allele origin: germline. Not counted in ClinVar's aggregate classification.
Comment: This variant is classified as likely benign based on ACMG/AMP sequence variant interpretation guidelines (Richards et al. 2015 PMID: 25741868, with internal and published modifications).

NM_004380.3(CREBBP):c.6834G>A (p.Gly2278=)

Gene: CREBBP (CREB binding lysine acetyltransferase; minus strand). Cytogenetic location: 16p13.3.
Variant type: single nucleotide variant.
Coding change: c.6834G>A on transcript NM_004380.3 (MANE Select); coding-DNA position 6834, G replaced by A.
Protein change: p.Gly2278=; no amino-acid change (glycine 2278 retained).
Molecular consequence: synonymous variant.
Genome position (GRCh38, 1-based): chr16:3,728,213, C>T on the plus strand (G>A on the coding strand, the complement: CREBBP is on the minus strand). VCF-style: chr16-3728213-C-T. GRCh37 (hg19) VCF-style: chr16-3778214-C-T.
Other names: c.6720G>A, p.Gly2240= (NM_001079846.1).
Identifiers: ClinVar variation 752851 (VCV000752851.9), dbSNP rs372866305, ClinGen allele CA493393198.